The following is an entry in ClinVar:

ClinVar aggregate classification (germline): Uncertain significance. Review status: criteria provided, multiple submitters, no conflicts (2 of 4 stars). 2 submissions from 2 submitters: Uncertain significance (2). Last evaluated 2025-09-03.

Conditions:
Inborn genetic diseases. Identifiers: MedGen C0950123, MeSH D030342.
TECTA-related disorder. Also called: TECTA-related condition.

gnomAD v4.1: 96 of 1,607,996 alleles (0.006%); highest among the groups gnomAD compares: Non-Finnish European, 0.0077%; no homozygotes.

Submissions (2):

PreventionGenetics, part of Exact Sciences
Classification: Uncertain significance for TECTA-related condition. Last evaluated: 2025-09-03. Review status: criteria provided, single submitter. Criteria: ACMG Guidelines, 2015. Collection method: clinical testing. Allele origin: germline.
Comment: The TECTA c.3449G>A variant is predicted to result in the amino acid substitution p.Arg1150Gln. To our knowledge, this variant has not been reported in the literature. This variant is reported in 0.0080% of alleles in individuals of African descent in gnomAD. At this time, the clinical significance of this variant is uncertain due to the absence of conclusive functional and genetic evidence.

Ambry Genetics
Classification: Uncertain significance for Inborn genetic diseases. Last evaluated: 2024-06-04. Review status: criteria provided, single submitter. Criteria: Ambry Variant Classification Scheme 2023. Collection method: clinical testing. Allele origin: germline.

NM_005422.4(TECTA):c.3449G>A (p.Arg1150Gln)

Genes: TBCEL-TECTA (TBCEL-TECTA readthrough; plus strand), TECTA (tectorin alpha; plus strand). Cytogenetic location: 11q23.3.
Variant type: single nucleotide variant.
Coding change: c.3449G>A on transcript NM_005422.4 (MANE Select); coding-DNA position 3449, G replaced by A.
Protein change: p.Arg1150Gln; replaces arginine 1150 with glutamine.
Molecular consequence: missense variant.
Genome position (GRCh38, 1-based): chr11:121,137,928, G>A. VCF-style: chr11-121137928-G-A. GRCh37 (hg19) VCF-style: chr11-121008637-G-A.
Other names: c.4406G>A, p.Arg1469Gln (NM_001378761.1); short protein forms R1150Q, R1469Q.
Identifiers: ClinVar variation 3325228 (VCV003325228.2).